The following is an entry in ClinVar:

ClinVar aggregate classification (germline): Uncertain significance. Review status: criteria provided, multiple submitters, no conflicts (2 of 4 stars). 2 submissions from 2 submitters: Uncertain significance (2). Last evaluated 2026-04-15.

Conditions:
Inborn genetic diseases. Identifiers: MedGen C0950123, MeSH D030342.

gnomAD v4.1: 1 of 1,613,794 alleles (0.000062%); highest among the groups gnomAD compares: Non-Finnish European, 0.000085%; no homozygotes.

Submissions (2):

Ambry Genetics
Classification: Uncertain significance for Inborn genetic diseases. Last evaluated: 2026-04-15. Review status: criteria provided, single submitter. Criteria: Ambry Variant Classification Scheme 2023. Collection method: clinical testing. Allele origin: germline.
Comment: The p.I203M variant (also known as c.609C>G), located in coding exon 4 of the MECOM gene, results from a C to G substitution at nucleotide position 609. The isoleucine at codon 203 is replaced by methionine, an amino acid with highly similar properties. This amino acid position is conserved. In addition, this alteration is predicted to be tolerated by in silico analysis. Based on the available evidence, the clinical significance of this variant remains unclear.

Labcorp Genetics (formerly Invitae), Labcorp
Classification: Uncertain significance. Last evaluated: 2025-07-02. Review status: criteria provided, single submitter. Criteria: Invitae Variant Classification Sherloc (09022015). Collection method: clinical testing. Allele origin: germline.
Comment: This sequence change replaces isoleucine, which is neutral and non-polar, with methionine, which is neutral and non-polar, at codon 15 of the MECOM protein (p.Ile15Met). This variant is not present in population databases (gnomAD no frequency). This variant has not been reported in the literature in individuals affected with MECOM-related conditions. An algorithm developed to predict the effect of missense changes on protein structure and function (PolyPhen-2) suggests that this variant is likely to be disruptive. In summary, the available evidence is currently insufficient to determine the role of this variant in disease. Therefore, it has been classified as a Variant of Uncertain Significance.

NM_004991.4(MECOM):c.609C>G (p.Ile203Met)

Gene: MECOM (MDS1 and EVI1 complex locus; minus strand). Cytogenetic location: 3q26.2.
Variant type: single nucleotide variant.
Coding change: c.609C>G on transcript NM_004991.4 (MANE Select); coding-DNA position 609, C replaced by G.
Protein change: p.Ile203Met; replaces isoleucine 203 with methionine.
Molecular consequence: missense variant.
Genome position (GRCh38, 1-based): chr3:169,131,433, G>C on the plus strand (C>G on the coding strand, the complement: MECOM is on the minus strand). VCF-style: chr3-169131433-G-C. GRCh37 (hg19) VCF-style: chr3-168849221-G-C.
Other names: c.609C>G (NM_004991.3); c.237C>G, p.Ile79Met (NM_001105077.4); c.45C>G, p.Ile15Met (NM_001105078.4, NM_001163999.2, NM_001164000.2 and 9 more transcripts); c.609C>G, p.Ile203Met (NM_001366466.2, NM_001366473.2); short protein forms I15M, I203M, I79M.
Identifiers: ClinVar variation 4779840 (VCV004779840.2).